The following is an entry in ClinVar:

ClinVar aggregate classification (germline): Uncertain significance (1 of 4 stars; one submission).

Conditions:
PLXNA2-related disorder. Also called: PLXNA2-related condition.

gnomAD v4.1: 1 of 1,611,786 alleles (0.000062%); highest among the groups gnomAD compares: Non-Finnish European, 0.000085%; no homozygotes.

Submission:

PreventionGenetics, part of Exact Sciences
Classification: Uncertain significance for PLXNA2-related condition. Last evaluated: 2026-04-28. Review status: criteria provided, single submitter. Criteria: ACMG Guidelines, 2015. Collection method: clinical testing. Allele origin: germline.
Comment: The PLXNA2 c.908C>T variant is predicted to result in the amino acid substitution p.Ala303Val. To our knowledge, this variant has not been reported in the literature or in a large population database (gnomAD), indicating this variant is rare. At this time, the clinical significance of this variant is uncertain due to the absence of conclusive functional and genetic evidence.

NM_025179.4(PLXNA2):c.908C>T (p.Ala303Val)

Gene: PLXNA2 (plexin A2; minus strand). Cytogenetic location: 1q32.2.
Variant type: single nucleotide variant.
Coding change: c.908C>T on transcript NM_025179.4 (MANE Select); coding-DNA position 908, C replaced by T.
Protein change: p.Ala303Val; replaces alanine 303 with valine.
Molecular consequence: missense variant.
Genome position (GRCh38, 1-based): chr1:208,217,015, G>A on the plus strand (C>T on the coding strand, the complement: PLXNA2 is on the minus strand). VCF-style: chr1-208217015-G-A. GRCh37 (hg19) VCF-style: chr1-208390360-G-A.
Other names: short protein forms A303V.
Identifiers: ClinVar variation 4984308 (VCV004984308.1).
Genomic context (GRCh38, chr1:208,217,015, plus strand): 5'-GCCAGTGAGTCCCCAGGCTTGGCCAGGTAAGCAGCCTGCAGGAGGCGGTATTCCACCCCG[G>A]CCCGGGTGCAGCCGAAGGGCAGGGACACGTATGAGTGGAACTTGGGGTCATCCTTGCAGA-3'
Protein context (NP_079455.3, residues 293-313): YVSLPFGCTR[Ala303Val]GVEYRLLQAA